The following is an entry in ClinVar:

NM_005584.5(MAB21L1):c.828T>C (p.Thr276=)

Genes: MAB21L1 (mab-21 like 1; minus strand), NBEA (neurobeachin; plus strand). Cytogenetic location: 13q13.3.
Variant type: single nucleotide variant.
Coding change: c.828T>C on transcript NM_005584.5 (MANE Select); coding-DNA position 828, T replaced by C.
Protein change: p.Thr276=; no amino-acid change (threonine 276 retained).
Molecular consequence: synonymous variant. On other transcripts: intron variant (3).
Genome position (GRCh38, 1-based): chr13:35,475,311, A>G on the plus strand (T>C on the coding strand, the complement: MAB21L1 is on the minus strand). VCF-style: chr13-35475311-A-G. GRCh37 (hg19) VCF-style: chr13-36049448-A-G.
Other names: c.6585+2775A>G (NM_001385012.1, NM_015678.5); c.6576+2775A>G (NM_001379245.1).
Identifiers: ClinVar variation 3771913 (VCV003771913.13).
Genomic context (GRCh38, chr13:35,475,311, plus strand): 5'-CAGGCAAGACTCGTCCCAGTCCGACTCTCGGGGATGCTTTTCACACTCGTAGGAAACCAG[A>G]GTCTTCATATGGTAATTGTTCAAGGGCTGGCCCGGCAGTTCAAGGTGACGATCCCTTAAG-3'
Protein context (NP_005575.1, residues 266-286): GQPLNNYHMK[Thr276=]LVSYECEKHP

ClinVar aggregate classification (germline): Likely benign (1 of 4 stars; one submission).

gnomAD v4.1: 2 of 1,614,008 alleles (0.00012%); highest among the groups gnomAD compares: Non-Finnish European, 0.00017%; no homozygotes.

Submission:

CeGaT Center for Human Genetics Tuebingen
Classification: Likely benign. Last evaluated: 2025-02-01. Review status: criteria provided, single submitter. Criteria: CeGaT Center For Human Genetics Tuebingen Variant Classification Criteria Version 2. Collection method: clinical testing. Allele origin: germline. Affected: yes. Observed: 1 variant allele.
Comment: MAB21L1: BP4, BP7